The following is an entry in ClinVar:

NM_000516.7(GNAS):c.1118G>C (p.Arg373Pro)

Gene: GNAS (GNAS complex locus; plus strand). Cytogenetic location: 20q13.32.
Variant type: single nucleotide variant.
Coding change: c.1118G>C on transcript NM_000516.7 (MANE Select); coding-DNA position 1118, G replaced by C.
Protein change: p.Arg373Pro; replaces arginine 373 with proline.
Molecular consequence: missense variant. On other transcripts: 3 prime UTR variant (2).
Genome position (GRCh38, 1-based): chr20:58,910,762, G>C. VCF-style: chr20-58910762-G-C. GRCh37 (hg19) VCF-style: chr20-57485817-G-C.
Other names: c.1121G>C, p.Arg374Pro (NM_001077488.5); c.1073G>C, p.Arg358Pro (NM_001077489.4); c.*979G>C (NM_001077490.3); c.941G>C, p.Arg314Pro (NM_001309840.2, NM_001309861.2, NM_001438276.1 and 1 more transcripts); c.1022G>C, p.Arg341Pro (NM_001410912.1); c.3002G>C, p.Arg1001Pro (NM_001410913.1); c.896G>C, p.Arg299Pro (NM_001438273.1, NM_001438274.1, NM_001438275.1); c.*1024G>C (NM_016592.5); and 2 more; short protein forms R1001P, R1016P, R299P, R314P, R341P, R358P, R359P, R373P.
Identifiers: ClinVar variation 4293097 (VCV004293097.1).

ClinVar aggregate classification (germline): Uncertain significance (1 of 4 stars; one submission).

Conditions:
Pseudohypoparathyroidism type I A (PHP1A). Also called: PHP IA; ALBRIGHT HEREDITARY OSTEODYSTROPHY WITH MULTIPLE HORMONE RESISTANCE; Pseudohypoparathyroidism type 1A; Pseudohypoparathyroidism Ia (PHP-Ia); Pseudohypoparathyroidism Type IA. Identifiers: Orphanet 79443, MedGen C3494506, MONDO:0007078, OMIM 103580.

Submission:

3billion
Classification: Uncertain significance for Pseudohypoparathyroidism type I A. Last evaluated: 2024-11-06. Review status: criteria provided, single submitter. Criteria: ACMG Guidelines, 2015. Collection method: clinical testing. Allele origin: germline. Affected: yes.
Comment: The variant is not observed in the gnomAD v4.1.0 dataset. Predicted Consequence/Location: Missense variant In silico tool predictions suggest damaging effect of the variant on gene or gene product [REVEL: 0.94 (>=0.6, sensitivity 0.68 and specificity 0.92); 3Cnet: 0.99 (>=0.6, sensitivity 0.72 and precision 0.9)]. Therefore, this variant is classified as VUS according to the recommendation of ACMG/AMP guideline.